The following is an entry in ClinVar:

NM_000428.3(LTBP2):c.2284G>A (p.Gly762Arg)

Gene: LTBP2 (latent transforming growth factor beta binding protein 2; minus strand). Cytogenetic location: 14q24.3.
Variant type: single nucleotide variant.
Coding change: c.2284G>A on transcript NM_000428.3 (MANE Select); coding-DNA position 2284, G replaced by A.
Protein change: p.Gly762Arg; replaces glycine 762 with arginine.
Molecular consequence: missense variant.
Genome position (GRCh38, 1-based): chr14:74,528,567, C>T on the plus strand (G>A on the coding strand, the complement: LTBP2 is on the minus strand). VCF-style: chr14-74528567-C-T. GRCh37 (hg19) VCF-style: chr14-74995270-C-T.
Other names: short protein forms G762R.
Identifiers: ClinVar variation 1945180 (VCV001945180.5), dbSNP rs2087306401, ClinGen allele CA390394550.

ClinVar aggregate classification (germline): Uncertain significance (1 of 4 stars; one submission).

Allele frequency attached by ClinVar (database versions not stated): gnomAD exomes below 0.00001; gnomAD 0.00001.
gnomAD v4.1: 6 of 1,613,196 alleles (0.00037%); highest among the groups gnomAD compares: Admixed American, 0.0033%; no homozygotes.

Submission:

Labcorp Genetics (formerly Invitae), Labcorp
Classification: Uncertain significance. Last evaluated: 2025-06-23. Review status: criteria provided, single submitter. Criteria: Invitae Variant Classification Sherloc (09022015). Collection method: clinical testing. Allele origin: germline.
Comment: This sequence change replaces glycine, which is neutral and non-polar, with arginine, which is basic and polar, at codon 762 of the LTBP2 protein (p.Gly762Arg). This variant is not present in population databases (gnomAD no frequency). This variant has not been reported in the literature in individuals affected with LTBP2-related conditions. ClinVar contains an entry for this variant (Variation ID: 1945180). An algorithm developed to predict the effect of missense changes on protein structure and function outputs the following: PolyPhen-2: "Benign". The arginine amino acid residue is found in multiple mammalian species, which suggests that this missense change does not adversely affect protein function. In summary, the available evidence is currently insufficient to determine the role of this variant in disease. Therefore, it has been classified as a Variant of Uncertain Significance.